The following is an entry in ClinVar:

ClinVar aggregate classification (germline): Uncertain significance. Review status: criteria provided, multiple submitters, no conflicts (2 of 4 stars). 2 submissions from 2 submitters: Uncertain significance (2). Last evaluated 2026-03-02.

Conditions:
Charcot-Marie-Tooth disease type 2. Also called: Charcot-Marie-Tooth type 2. Identifiers: Orphanet 64746, MedGen C0270914, MONDO:0018993.

Allele frequency attached by ClinVar (database versions not stated): gnomAD exomes below 0.00001; TOPMed 0.00002; 1000 Genomes Project 0.00020; ExAC 0.00001; 1000 Genomes Project 30x 0.00031; gnomAD 0.00004.
gnomAD v4.1: 10 of 1,613,802 alleles (0.00062%); highest among the groups gnomAD compares: African/African-American, 0.012%; no homozygotes.

Submissions (2):

Women's Health and Genetics/Laboratory Corporation of America, LabCorp
Classification: Uncertain significance. Last evaluated: 2026-03-02. Review status: criteria provided, single submitter. Criteria: LabCorp Variant Classification Summary - May 2015. Collection method: clinical testing. Allele origin: germline.
Comment: Variant summary: MFN2 c.832A>G (p.Met278Val) results in a conservative amino acid change in the encoded protein sequence. Algorithms developed to predict the effect of missense changes on protein structure and function are either unavailable or do not agree on the potential impact of this missense change. The variant allele was found at a frequency of 4e-06 in 250328 control chromosomes. The available data on variant occurrences in the general population are insufficient to allow any conclusion about variant significance. To our knowledge, no occurrence of c.832A>G in individuals affected with MFN2-related conditions and no experimental evidence demonstrating its impact on protein function have been reported. ClinVar contains an entry for this variant (Variation ID: 2143703). Based on the evidence outlined above, the variant was classified as uncertain significance.

Labcorp Genetics (formerly Invitae), Labcorp
Classification: Uncertain significance for Charcot-Marie-Tooth disease type 2. Last evaluated: 2024-08-05. Review status: criteria provided, single submitter. Criteria: Invitae Variant Classification Sherloc (09022015). Collection method: clinical testing. Allele origin: germline.
Comment: This sequence change replaces methionine, which is neutral and non-polar, with valine, which is neutral and non-polar, at codon 278 of the MFN2 protein (p.Met278Val). The frequency data for this variant in the population databases is considered unreliable, as metrics indicate poor data quality at this position in the gnomAD database. This variant has not been reported in the literature in individuals affected with MFN2-related conditions. ClinVar contains an entry for this variant (Variation ID: 2143703). Advanced modeling of protein sequence and biophysical properties (such as structural, functional, and spatial information, amino acid conservation, physicochemical variation, residue mobility, and thermodynamic stability) performed at Invitae indicates that this missense variant is expected to disrupt MFN2 protein function with a positive predictive value of 80%. In summary, the available evidence is currently insufficient to determine the role of this variant in disease. Therefore, it has been classified as a Variant of Uncertain Significance.

NM_014874.4(MFN2):c.832A>G (p.Met278Val)

Gene: MFN2 (mitofusin 2; plus strand). Cytogenetic location: 1p36.22.
Variant type: single nucleotide variant.
Coding change: c.832A>G on transcript NM_014874.4 (MANE Select); coding-DNA position 832, A replaced by G.
Protein change: p.Met278Val; replaces methionine 278 with valine.
Molecular consequence: missense variant.
Genome position (GRCh38, 1-based): chr1:12,001,416, A>G. VCF-style: chr1-12001416-A-G. GRCh37 (hg19) VCF-style: chr1-12061473-A-G.
Other names: c.832A>G, p.Met278Val (NM_001127660.2); short protein forms M278V.
Identifiers: ClinVar variation 2143703 (VCV002143703.5), dbSNP rs529224795, ClinGen allele CA598951.